The following is an entry in ClinVar:

ClinVar aggregate classification (germline): Uncertain significance. Review status: criteria provided, multiple submitters, no conflicts (2 of 4 stars). 2 submissions from 2 submitters: Uncertain significance (2). Last evaluated 2025-08-24.

Allele frequency attached by ClinVar (database versions not stated): gnomAD exomes below 0.00001 and 0.00001; ExAC 0.00001; gnomAD 0.00001.
gnomAD v4.1: 6 of 1,612,230 alleles (0.00037%); highest among the groups gnomAD compares: Non-Finnish European, 0.00051%; no homozygotes.

Submissions (2):

Ambry Genetics
Classification: Uncertain significance. Last evaluated: 2025-08-24. Review status: criteria provided, single submitter. Criteria: Ambry Variant Classification Scheme 2023. Collection method: clinical testing. Allele origin: germline.

Labcorp Genetics (formerly Invitae), Labcorp
Classification: Uncertain significance. Last evaluated: 2021-06-12. Review status: criteria provided, single submitter. Criteria: Invitae Variant Classification Sherloc (09022015). Collection method: clinical testing. Allele origin: germline.
Comment: In summary, the available evidence is currently insufficient to determine the role of this variant in disease. Therefore, it has been classified as a Variant of Uncertain Significance. Algorithms developed to predict the effect of sequence changes on RNA splicing suggest that this variant may create or strengthen a splice site, but this prediction has not been confirmed by published transcriptional studies. Algorithms developed to predict the effect of missense changes on protein structure and function output the following: SIFT: "Tolerated"; PolyPhen-2: "Benign"; Align-GVGD: "Class C0". The alanine amino acid residue is found in multiple mammalian species, suggesting that this missense change does not adversely affect protein function. These predictions have not been confirmed by published functional studies and their clinical significance is uncertain. This variant has not been reported in the literature in individuals with GRXCR2-related conditions. This variant is present in population databases (rs771151044, ExAC 0.002%). This sequence change replaces threonine with alanine at codon 187 of the GRXCR2 protein (p.Thr187Ala). The threonine residue is moderately conserved and there is a small physicochemical difference between threonine and alanine.

NM_001080516.2(GRXCR2):c.559A>G (p.Thr187Ala)

Gene: GRXCR2 (glutaredoxin and cysteine rich domain containing 2; minus strand). Cytogenetic location: 5q32.
Variant type: single nucleotide variant.
Coding change: c.559A>G on transcript NM_001080516.2 (MANE Select); coding-DNA position 559, A replaced by G.
Protein change: p.Thr187Ala; replaces threonine 187 with alanine.
Molecular consequence: missense variant.
Genome position (GRCh38, 1-based): chr5:145,866,506, T>C on the plus strand (A>G on the coding strand, the complement: GRXCR2 is on the minus strand). VCF-style: chr5-145866506-T-C. GRCh37 (hg19) VCF-style: chr5-145246069-T-C.
Other names: c.559A>G (NM_001080516.1); short protein forms T187A.
Identifiers: ClinVar variation 1408574 (VCV001408574.9), dbSNP rs771151044, ClinGen allele CA3487990.